The following is an entry in ClinVar:

ClinVar aggregate classification (germline): Uncertain significance. Review status: criteria provided, multiple submitters, no conflicts (2 of 4 stars). 2 submissions from 2 submitters: Uncertain significance (2). Last evaluated 2022-02-21.

Allele frequency attached by ClinVar (database versions not stated): TOPMed 0.00001; gnomAD exomes 0.00002 and 0.00004; ExAC 0.00004; ESP Exome Variant Server 0.00008.
gnomAD v4.1: 37 of 1,614,180 alleles (0.0023%); highest among the groups gnomAD compares: East Asian, 0.022%; no homozygotes.

Submissions (2):

GeneDx
Classification: Uncertain significance. Last evaluated: 2022-02-21. Review status: criteria provided, single submitter. Criteria: GeneDx Variant Classification Process June 2021. Collection method: clinical testing. Allele origin: germline. Affected: yes.
Comment: In silico analysis supports that this missense variant has a deleterious effect on protein structure/function; Has not been previously published as pathogenic or benign to our knowledge

Labcorp Genetics (formerly Invitae), Labcorp
Classification: Uncertain significance. Last evaluated: 2021-12-25. Review status: criteria provided, single submitter. Criteria: Invitae Variant Classification Sherloc (09022015). Collection method: clinical testing. Allele origin: germline.
Comment: This sequence change replaces arginine, which is basic and polar, with tryptophan, which is neutral and slightly polar, at codon 183 of the DGUOK protein (p.Arg183Trp). This variant is present in population databases (rs373204746, gnomAD 0.02%). This variant has not been reported in the literature in individuals affected with DGUOK-related conditions. Algorithms developed to predict the effect of missense changes on protein structure and function (SIFT, PolyPhen-2, Align-GVGD) all suggest that this variant is likely to be disruptive. In summary, the available evidence is currently insufficient to determine the role of this variant in disease. Therefore, it has been classified as a Variant of Uncertain Significance.

NM_080916.3(DGUOK):c.547C>T (p.Arg183Trp)

Gene: DGUOK (deoxyguanosine kinase; plus strand). Cytogenetic location: 2p13.1.
Variant type: single nucleotide variant.
Coding change: c.547C>T on transcript NM_080916.3 (MANE Select); coding-DNA position 547, C replaced by T.
Protein change: p.Arg183Trp; replaces arginine 183 with tryptophan.
Molecular consequence: missense variant. On other transcripts: non-coding transcript variant (2), intron variant (2).
Genome position (GRCh38, 1-based): chr2:73,950,688, C>T. VCF-style: chr2-73950688-C-T. GRCh37 (hg19) VCF-style: chr2-74177815-C-T.
Other names: c.256C>T, p.Arg86Trp (NM_001318860.2, NM_001318861.2); c.238C>T, p.Arg80Trp (NM_001318862.2, NM_001318863.2); c.443+3782C>T (NM_080918.3); c.425+3800C>T (NM_001318859.2); short protein forms R183W, R80W, R86W.
Identifiers: ClinVar variation 1702587 (VCV001702587.3), dbSNP rs373204746, ClinGen allele CA1718281.